The following is an entry in ClinVar:

ClinVar aggregate classification (germline): Uncertain significance (1 of 4 stars; one submission).

Allele frequency attached by ClinVar (database versions not stated): gnomAD exomes below 0.00001.
gnomAD v4.1: 1 of 1,535,198 alleles (0.000065%); highest among the groups gnomAD compares: Non-Finnish European, 0.000088%; no homozygotes.

Submission:

Labcorp Genetics (formerly Invitae), Labcorp
Classification: Uncertain significance. Last evaluated: 2022-09-12. Review status: criteria provided, single submitter. Criteria: Invitae Variant Classification Sherloc (09022015). Collection method: clinical testing. Allele origin: germline.
Comment: This sequence change replaces valine, which is neutral and non-polar, with glycine, which is neutral and non-polar, at codon 1041 of the CARMIL2 protein (p.Val1041Gly). This variant is not present in population databases (gnomAD no frequency). This variant has not been reported in the literature in individuals affected with CARMIL2-related conditions. ClinVar contains an entry for this variant (Variation ID: 1496035). Algorithms developed to predict the effect of missense changes on protein structure and function are either unavailable or do not agree on the potential impact of this missense change (SIFT: "Tolerated"; PolyPhen-2: "Probably Damaging"; Align-GVGD: "Class C0"). In summary, the available evidence is currently insufficient to determine the role of this variant in disease. Therefore, it has been classified as a Variant of Uncertain Significance.

NM_001013838.3(CARMIL2):c.3122T>G (p.Val1041Gly)

Gene: CARMIL2 (capping protein regulator and myosin 1 linker 2; plus strand). Cytogenetic location: 16q22.1.
Variant type: single nucleotide variant.
Coding change: c.3122T>G on transcript NM_001013838.3 (MANE Select); coding-DNA position 3122, T replaced by G.
Protein change: p.Val1041Gly; replaces valine 1041 with glycine.
Molecular consequence: missense variant.
Genome position (GRCh38, 1-based): chr16:67,654,150, T>G. VCF-style: chr16-67654150-T-G. GRCh37 (hg19) VCF-style: chr16-67688053-T-G.
Other names: c.3014T>G, p.Val1005Gly (NM_001317026.3); short protein forms V1005G, V1041G.
Identifiers: ClinVar variation 1496035 (VCV001496035.5), dbSNP rs1305055603, ClinGen allele CA396343783.
Genomic context (GRCh38, chr16:67,654,150, plus strand): 5'-GGGGGGTAGAAGCCAGAGTTGCACTCAACCCTGACCCCTGACCCCATGATGCCCCCCAGG[T>G]ACCCCCAGCCTTGCCGCAGGAAGGGAATGGGCTCAGTGCCCGCGTGGACGAGGGCGTGGA-3'
Protein context (NP_001013860.1, residues 1031-1051): HHRPPPGGPQ[Val1041Gly]PPALPQEGNG